The following is an entry in ClinVar:

ClinVar aggregate classification (germline): Likely benign (1 of 4 stars; one submission).

Allele frequency attached by ClinVar (database versions not stated): ExAC 0.00136; 1000 Genomes Project 0.00539.

Submission:

CeGaT Center for Human Genetics Tuebingen
Classification: Likely benign. Last evaluated: 2026-04-01. Review status: criteria provided, single submitter. Criteria: CeGaT Center For Human Genetics Tuebingen Variant Classification Criteria Version 2. Collection method: clinical testing. Allele origin: germline. Affected: yes. Observed: 5 variant alleles.
Comment: MUC4: BP4, BP7

NM_018406.7(MUC4):c.10017A>C (p.Thr3339=)

Gene: MUC4 (mucin 4, cell surface associated). Cytogenetic location: 3q29.
Variant type: single nucleotide variant.
Coding change: c.10017A>C on transcript NM_018406.7 (MANE Select); coding-DNA position 10017, A replaced by C.
Protein change: p.Thr3339=; no amino-acid change (threonine 3339 retained).
Molecular consequence: synonymous variant. On other transcripts: genic upstream transcript variant (2).
Genome position (GRCh38, 1-based): chr3:195,781,563, T>G on the plus strand (A>C on the coding strand, the complement: MUC4 is on the minus strand). VCF-style: chr3-195781563-T-G. GRCh37 (hg19) VCF-style: chr3-195508434-T-G.
Other names: c.14787A>C, p.Thr4929= (NM_001322468.1); c.83-7258A>C (NM_138297.5); c.83-3108A>C (NM_004532.6).
Identifiers: ClinVar variation 2654436 (VCV002654436.24), dbSNP rs527497274, ClinGen allele CA2770545.